The following is an entry in ClinVar:

ClinVar aggregate classification (germline): Uncertain significance. Review status: criteria provided, single submitter (1 of 4 stars). 2 submissions from 2 submitters: Uncertain significance (1). 1 of the submissions does not count toward it. Last evaluated 2025-01-31.

Conditions:
Polycystic kidney disease, adult type (PKD1). Also called: Polycystic Kidney Disease 1, Autosomal Dominant; Polycystic kidney disease 1; Polycystic kidney disease 1, severe; POLYCYSTIC KIDNEY DISEASE, ADULT, TYPE I; POLYCYSTIC KIDNEY DISEASE 1 WITH OR WITHOUT POLYCYSTIC LIVER DISEASE; Polycystic Kidney, Autosomal Dominant. Identifiers: MedGen C3149841, MONDO:0008263, OMIM 173900.

Allele frequency attached by ClinVar (database versions not stated): gnomAD exomes below 0.00001; TOPMed below 0.00001.
gnomAD v4.1: 2 of 1,610,432 alleles (0.00012%); highest among the groups gnomAD compares: Non-Finnish European, 0.00017%; no homozygotes.

Submissions (2):

Mayo Clinic Laboratories, Mayo Clinic
Classification: Uncertain significance. Last evaluated: 2025-01-31. Review status: criteria provided, single submitter. Criteria: ACMG Guidelines, 2015. Collection method: clinical testing. Allele origin: germline. Observed: 2 variant alleles.
Comment: PM2_supporting

Bioscientia Institut fuer Medizinische Diagnostik GmbH, Sonic Healthcare
Classification: Likely pathogenic for Polycystic kidney disease, adult type. Last evaluated: 2020-01-08. Review status: no assertion criteria provided. Collection method: clinical testing. Allele origin: germline. Affected: yes. Not counted in ClinVar's aggregate classification.

Literature cited by the submitters: PubMed 26311459 (cited by Mayo Clinic Laboratories, Mayo Clinic); PubMed 27499327 (cited by Mayo Clinic Laboratories, Mayo Clinic).

NM_001009944.3(PKD1):c.9415G>A (p.Gly3139Ser)

Gene: PKD1 (polycystin 1, transient receptor potential channel interacting; minus strand). Cytogenetic location: 16p13.3.
Variant type: single nucleotide variant.
Coding change: c.9415G>A on transcript NM_001009944.3 (MANE Select); coding-DNA position 9415, G replaced by A.
Protein change: p.Gly3139Ser; replaces glycine 3139 with serine.
Molecular consequence: missense variant.
Genome position (GRCh38, 1-based): chr16:2,100,549, C>T on the plus strand (G>A on the coding strand, the complement: PKD1 is on the minus strand). VCF-style: chr16-2100549-C-T. GRCh37 (hg19) VCF-style: chr16-2150550-C-T.
Other names: p.Gly3139Ser; c.9415G>A, p.Gly3139Ser (NM_000296.4); short protein forms G3139S.
Identifiers: ClinVar variation 992390 (VCV000992390.3), dbSNP rs1165123201, ClinGen allele CA394356641.